The following is an entry in ClinVar:

ClinVar aggregate classification (germline): Pathogenic (1 of 4 stars; one submission).

Conditions:
Centromeric instability of chromosomes 1,9 and 16 and immunodeficiency (ICF1). Also called: CENTROMERIC INSTABILITY, IMMUNODEFICIENCY SYNDROME; IMMUNE DEFICIENCY, VARIABLE, WITH CENTROMERIC INSTABILITY OF CHROMOSOMES 1, 9, AND 16; IMMUNODEFICIENCY SYNDROME, VARIABLE; Immunodeficiency-centromeric instability-facial anomalies. Identifiers: Orphanet 2268, MedGen C0398788, MONDO:0000133.

Submission:

Labcorp Genetics (formerly Invitae), Labcorp
Classification: Pathogenic for Centromeric instability of chromosomes 1,9 and 16 and immunodeficiency. Last evaluated: 2024-10-21. Review status: criteria provided, single submitter. Criteria: Invitae Variant Classification Sherloc (09022015). Collection method: clinical testing. Allele origin: germline.
Comment: This sequence change creates a premature translational stop signal (p.Ser32Profs*33) in the DNMT3B gene. It is expected to result in an absent or disrupted protein product. Loss-of-function variants in DNMT3B are known to be pathogenic (PMID: 11102980). This variant is not present in population databases (gnomAD no frequency). This variant has not been reported in the literature in individuals affected with DNMT3B-related conditions. For these reasons, this variant has been classified as Pathogenic.

Literature cited by the submitters: PubMed 11102980.

NM_006892.4(DNMT3B):c.93del (p.Ser32fs)

Gene: DNMT3B (DNA methyltransferase 3 beta; plus strand). Cytogenetic location: 20q11.21.
Variant type: Deletion.
Coding change: c.93del on transcript NM_006892.4 (MANE Select); coding-DNA position 93, one base deleted (C; older notation c.93delC).
Protein change: p.Ser32fs; shifts the reading frame from serine 32.
Molecular consequence: frameshift variant.
Genome position (GRCh38, 1-based): chr20:32,780,416, C deleted; the last of 2 consecutive C bases (chr20:32,780,415-32,780,416); deleting either gives the same sequence. VCF-style (leftmost placement, unchanged base first): chr20-32780414-TC-T. GRCh37 (hg19) VCF-style: chr20-31368220-TC-T.
Other names: c.93del, p.Ser32fs (NM_001207055.2, NM_001207056.2, NM_001424351.1 and 9 more transcripts); c.129del, p.Ser44fs (NM_001424359.1, NM_001424360.1, NM_175850.3); short protein forms S44fs, S32fs.
Identifiers: ClinVar variation 3664006 (VCV003664006.2).